The following is an entry in ClinVar:

ClinVar aggregate classification (germline): Uncertain significance (1 of 4 stars; one submission).

Allele frequency attached by ClinVar (database versions not stated): ExAC 0.00001; gnomAD exomes 0.00001; gnomAD 0.00002; TOPMed 0.00002.
gnomAD v4.1: 3 of 1,613,990 alleles (0.00019%); highest among the groups gnomAD compares: African/African-American, 0.004%; no homozygotes.

Submission:

Labcorp Genetics (formerly Invitae), Labcorp
Classification: Uncertain significance. Last evaluated: 2025-07-31. Review status: criteria provided, single submitter. Criteria: Invitae Variant Classification Sherloc (09022015). Collection method: clinical testing. Allele origin: germline.
Comment: This sequence change replaces glutamic acid, which is acidic and polar, with lysine, which is basic and polar, at codon 681 of the CNGA3 protein (p.Glu681Lys). This variant is present in population databases (rs780484436, gnomAD 0.01%). This variant has not been reported in the literature in individuals affected with CNGA3-related conditions. ClinVar contains an entry for this variant (Variation ID: 1492314). Invitae Evidence Modeling of protein sequence and biophysical properties (such as structural, functional, and spatial information, amino acid conservation, physicochemical variation, residue mobility, and thermodynamic stability) indicates that this missense variant is not expected to disrupt CNGA3 protein function with a negative predictive value of 95%. In summary, the available evidence is currently insufficient to determine the role of this variant in disease. Therefore, it has been classified as a Variant of Uncertain Significance.

NM_001298.3(CNGA3):c.2041G>A (p.Glu681Lys)

Gene: CNGA3 (cyclic nucleotide gated channel subunit alpha 3; plus strand). Cytogenetic location: 2q11.2.
Variant type: single nucleotide variant.
Coding change: c.2041G>A on transcript NM_001298.3 (MANE Select); coding-DNA position 2041, G replaced by A.
Protein change: p.Glu681Lys; replaces glutamic acid 681 with lysine.
Molecular consequence: missense variant.
Genome position (GRCh38, 1-based): chr2:98,397,211, G>A. VCF-style: chr2-98397211-G-A. GRCh37 (hg19) VCF-style: chr2-99013674-G-A.
Other names: c.1987G>A, p.Glu663Lys (NM_001079878.2); short protein forms E681K, E663K.
Identifiers: ClinVar variation 1492314 (VCV001492314.6), dbSNP rs780484436, ClinGen allele CA1794137.
Genomic context (GRCh38, chr2:98,397,211, plus strand): 5'-CGTCTCAGCCAACTGGAAAGCCAGGTGAAGGGTGGTGGGGACAAGCCCCTGGCTGATGGG[G>A]AAGTTCCCGGGGATGCTACAAAAACAGAGGACAAACAACAGTGAAAATGCAGCATCTGTC-3'
Protein context (NP_001289.1, residues 671-691): GGGDKPLADG[Glu681Lys]VPGDATKTED